The following is an entry in ClinVar:

ClinVar aggregate classification (germline): Uncertain significance (1 of 4 stars; one submission).

Conditions:
Hereditary cancer-predisposing syndrome. Also called: Hereditary neoplastic syndrome; Neoplastic Syndromes, Hereditary; Tumor predisposition; Hereditary Cancer Syndrome. Identifiers: Orphanet 140162, MedGen C0027672, MeSH D009386, MONDO:0015356.

Submission:

Ambry Genetics
Classification: Uncertain significance for Hereditary cancer-predisposing syndrome. Last evaluated: 2025-02-22. Review status: criteria provided, single submitter. Criteria: Ambry Variant Classification Scheme 2023. Collection method: clinical testing. Allele origin: germline.
Comment: The p.D328G variant (also known as c.983A>G), located in coding exon 6 of the CTNNA1 gene, results from an A to G substitution at nucleotide position 983. The aspartic acid at codon 328 is replaced by glycine, an amino acid with similar properties. This amino acid position is conserved. In addition, the in silico prediction for this alteration is inconclusive. Based on the available evidence, the clinical significance of this variant remains unclear.

NM_001903.5(CTNNA1):c.983A>G (p.Asp328Gly)

Gene: CTNNA1 (catenin alpha 1; plus strand). Cytogenetic location: 5q31.2.
Variant type: single nucleotide variant.
Coding change: c.983A>G on transcript NM_001903.5 (MANE Select); coding-DNA position 983, A replaced by G.
Protein change: p.Asp328Gly; replaces aspartic acid 328 with glycine.
Molecular consequence: missense variant.
Genome position (GRCh38, 1-based): chr5:138,827,639, A>G. VCF-style: chr5-138827639-A-G. GRCh37 (hg19) VCF-style: chr5-138163328-A-G.
Other names: c.983A>G, p.Asp328Gly (NM_001290307.3, NM_001323982.2, NM_001323983.1 and 3 more transcripts); c.674A>G, p.Asp225Gly (NM_001290309.3); c.614A>G, p.Asp205Gly (NM_001290310.3); short protein forms D225G, D205G, D328G.
Identifiers: ClinVar variation 3837184 (VCV003837184.1).